The following is an entry in ClinVar:

ClinVar aggregate classification (germline): Uncertain significance. Review status: criteria provided, multiple submitters, no conflicts (2 of 4 stars). 2 submissions from 2 submitters: Uncertain significance (2). Last evaluated 2025-03-31.

Conditions:
Inborn genetic diseases. Identifiers: MedGen C0950123, MeSH D030342.
Leber congenital amaurosis 12 (LCA12). Identifiers: Orphanet 65, MedGen C1857743, MONDO:0012525, OMIM 610612.

Allele frequency attached by ClinVar (database versions not stated): gnomAD exomes 0.00001; TOPMed 0.00004; gnomAD 0.00008 and 0.00009.

Submissions (2):

Ambry Genetics
Classification: Uncertain significance for Inborn genetic diseases. Last evaluated: 2025-03-31. Review status: criteria provided, single submitter. Criteria: Ambry Variant Classification Scheme 2023. Collection method: clinical testing. Allele origin: germline.

Labcorp Genetics (formerly Invitae), Labcorp
Classification: Uncertain significance for Leber congenital amaurosis 12. Last evaluated: 2022-09-07. Review status: criteria provided, single submitter. Criteria: Invitae Variant Classification Sherloc (09022015). Collection method: clinical testing. Allele origin: germline.
Comment: In summary, the available evidence is currently insufficient to determine the role of this variant in disease. Therefore, it has been classified as a Variant of Uncertain Significance. Algorithms developed to predict the effect of missense changes on protein structure and function output the following: SIFT: "Tolerated"; PolyPhen-2: "Benign"; Align-GVGD: "Class C0". The valine amino acid residue is found in multiple mammalian species, which suggests that this missense change does not adversely affect protein function. ClinVar contains an entry for this variant (Variation ID: 1434987). This variant has not been reported in the literature in individuals affected with RD3-related conditions. This variant is present in population databases (no rsID available, gnomAD 0.02%). This sequence change replaces alanine, which is neutral and non-polar, with valine, which is neutral and non-polar, at codon 135 of the RD3 protein (p.Ala135Val).

NM_001164688.2(RD3):c.404C>T (p.Ala135Val)

Gene: RD3 (RD3 regulator of GUCY2D; minus strand). Cytogenetic location: 1q32.3.
Variant type: single nucleotide variant.
Coding change: c.404C>T on transcript NM_001164688.2 (MANE Select); coding-DNA position 404, C replaced by T.
Protein change: p.Ala135Val; replaces alanine 135 with valine.
Molecular consequence: missense variant.
Genome position (GRCh38, 1-based): chr1:211,479,220, G>A on the plus strand (C>T on the coding strand, the complement: RD3 is on the minus strand). VCF-style: chr1-211479220-G-A. GRCh37 (hg19) VCF-style: chr1-211652562-G-A.
Other names: c.404C>T, p.Ala135Val (NM_183059.3); c.404C>T (NM_183059.2); short protein forms A135V.
Identifiers: ClinVar variation 1434987 (VCV001434987.7), dbSNP rs909555536, ClinGen allele CA37186340.